The following is an entry in ClinVar:

ClinVar aggregate classification (germline): Uncertain significance (1 of 4 stars; one submission).

Conditions:
Hereditary spastic paraplegia 48. Also called: SPASTIC PARAPLEGIA 48, AUTOSOMAL RECESSIVE; Spastic paraplegia 48. Identifiers: Orphanet 306511, MedGen C3150901, MONDO:0013342, OMIM 613647.

gnomAD v4.1: 2 of 1,610,672 alleles (0.00012%); highest among the groups gnomAD compares: South Asian, 0.0011%; no homozygotes.

Submission:

Labcorp Genetics (formerly Invitae), Labcorp
Classification: Uncertain significance for Hereditary spastic paraplegia 48. Last evaluated: 2024-12-31. Review status: criteria provided, single submitter. Criteria: Invitae Variant Classification Sherloc (09022015). Collection method: clinical testing. Allele origin: germline.
Comment: This sequence change replaces arginine, which is basic and polar, with leucine, which is neutral and non-polar, at codon 548 of the AP5Z1 protein (p.Arg548Leu). The frequency data for this variant in the population databases is considered unreliable, as metrics indicate poor data quality at this position in the gnomAD database. This variant has not been reported in the literature in individuals affected with AP5Z1-related conditions. Invitae Evidence Modeling of protein sequence and biophysical properties (such as structural, functional, and spatial information, amino acid conservation, physicochemical variation, residue mobility, and thermodynamic stability) has been performed for this missense variant. However, the output from this modeling did not meet the statistical confidence thresholds required to predict the impact of this variant on AP5Z1 protein function. In summary, the available evidence is currently insufficient to determine the role of this variant in disease. Therefore, it has been classified as a Variant of Uncertain Significance.

NM_014855.3(AP5Z1):c.1643G>T (p.Arg548Leu)

Gene: AP5Z1 (adaptor related protein complex 5 subunit zeta 1; plus strand). Cytogenetic location: 7p22.1.
Variant type: single nucleotide variant.
Coding change: c.1643G>T on transcript NM_014855.3 (MANE Select); coding-DNA position 1643, G replaced by T.
Protein change: p.Arg548Leu; replaces arginine 548 with leucine.
Molecular consequence: missense variant. On other transcripts: non-coding transcript variant (1).
Genome position (GRCh38, 1-based): chr7:4,788,887, G>T. VCF-style: chr7-4788887-G-T. GRCh37 (hg19) VCF-style: chr7-4828518-G-T.
Other names: c.1175G>T, p.Arg392Leu (NM_001364858.1); short protein forms R392L, R548L.
Identifiers: ClinVar variation 3708853 (VCV003708853.2).